The following is an entry in ClinVar:

NM_000292.3(PHKA2):c.2909-21GT[6]

Gene: PHKA2 (phosphorylase kinase regulatory subunit alpha 2; minus strand). Cytogenetic location: Xp22.13.
Variant type: Microsatellite.
Coding change: c.2909-21GT[6] on transcript NM_000292.3 (MANE Select); six copies in a row of the 2-base unit GT starting at c.2909-21; the reference has five copies in a row; one copy, 2 bases duplicated.
Molecular consequence: intron variant.
Genome position (GRCh38, 1-based): chrX:18,901,615-18,901,616, AC duplicated on the plus strand (GT on the coding strand, the reverse complement: PHKA2 is on the minus strand); duplicating any 2 consecutive bases within chrX:18,901,615-18,901,624 gives the same sequence; the position shown is the placement nearest the transcript's 3' end. VCF-style (leftmost placement, unchanged base first): chrX-18901614-A-AAC. GRCh37 (hg19) VCF-style: chrX-18919732-A-AAC.
Other names: c.2909-13_2909-12dupGT (NM_000292.2).
Identifiers: ClinVar variation 506767 (VCV000506767.1), dbSNP rs781149626, ClinGen allele CA658799598.

ClinVar aggregate classification (germline): Likely benign (1 of 4 stars; one submission).

Submission:

GeneDx
Classification: Likely benign. Last evaluated: 2017-01-26. Review status: criteria provided, single submitter. Criteria: GeneDx Variant Classification (06012015). Collection method: clinical testing. Allele origin: germline. Affected: yes.
Comment: This variant is considered likely benign or benign based on one or more of the following criteria: it is a conservative change, it occurs at a poorly conserved position in the protein, it is predicted to be benign by multiple in silico algorithms, and/or has population frequency not consistent with disease.